The following is an entry in ClinVar:

ClinVar aggregate classification (germline): Uncertain significance. Review status: criteria provided, multiple submitters, no conflicts (2 of 4 stars). 2 submissions from 2 submitters: Uncertain significance (2). Last evaluated 2024-08-06.

Conditions:
Congenital myotonia, autosomal dominant form (THD). Also called: THOMSEN DISEASE; Myotonia congenita autosomal dominant. Identifiers: Orphanet 614, MedGen C2936781, MONDO:0008055, OMIM 160800.
Congenital myotonia, autosomal recessive form. Also called: BECKER DISEASE; Becker Generalized Myotonia; myotonia congenita, autosomal recessive. Identifiers: Orphanet 614, MedGen C0751360, MONDO:0009715, OMIM 255700.

Submissions (2):

Labcorp Genetics (formerly Invitae), Labcorp
Classification: Uncertain significance for Congenital myotonia, autosomal recessive form; Congenital myotonia, autosomal dominant form. Last evaluated: 2024-08-06. Review status: criteria provided, single submitter. Criteria: Invitae Variant Classification Sherloc (09022015). Collection method: clinical testing. Allele origin: germline.
Comment: This sequence change replaces leucine, which is neutral and non-polar, with glycine, which is neutral and non-polar, at codon 684 of the CLCN1 protein (p.Leu684Gly). This variant is present in population databases (no rsID available, gnomAD 0.002%). This variant has not been reported in the literature in individuals affected with CLCN1-related conditions. ClinVar contains an entry for this variant (Variation ID: 1009927). An algorithm developed to predict the effect of missense changes on protein structure and function (PolyPhen-2) suggests that this variant¬¨‚Ä†is likely to be tolerated. In summary, the available evidence is currently insufficient to determine the role of this variant in disease. Therefore, it has been classified as a Variant of Uncertain Significance.

Revvity Omics, Revvity
Classification: Uncertain significance. Last evaluated: 2019-08-17. Review status: criteria provided, single submitter. Criteria: ACMG Guidelines, 2015. Collection method: clinical testing. Allele origin: germline.

NM_000083.3(CLCN1):c.2050_2051delinsGG (p.Leu684Gly)

Genes: CLCN1 (chloride voltage-gated channel 1; plus strand), LOC123956257 (Sharpr-MPRA regulatory region 4117; plus strand). Cytogenetic location: 7q34.
Variant type: Indel.
Coding change: c.2050_2051delinsGG on transcript NM_000083.3 (MANE Select); coding-DNA positions 2050 to 2051, CT replaced by GG.
Protein change: p.Leu684Gly; replaces leucine 684 with glycine.
Molecular consequence: missense variant. On other transcripts: non-coding transcript variant (1).
Genome position (GRCh38, 1-based): chr7:143,345,640-143,345,641, CT replaced by GG. VCF-style: chr7-143345640-CT-GG. GRCh37 (hg19) VCF-style: chr7-143042733-CT-GG.
Other names: c.2050_2051delinsGG (NM_000083.2); short protein forms L684G.
Identifiers: ClinVar variation 1009927 (VCV001009927.6), dbSNP rs1803216360, ClinGen allele CA1748895569.